The following is an entry in ClinVar:

NM_001220.5(CAMK2B):c.1549C>T (p.Pro517Ser)

Gene: CAMK2B (calcium/calmodulin dependent protein kinase II beta; minus strand). Cytogenetic location: 7p13.
Variant type: single nucleotide variant.
Coding change: c.1549C>T on transcript NM_001220.5 (MANE Select); coding-DNA position 1549, C replaced by T.
Protein change: p.Pro517Ser; replaces proline 517 with serine.
Molecular consequence: missense variant. On other transcripts: intron variant (8).
Genome position (GRCh38, 1-based): chr7:44,226,564, G>A on the plus strand (C>T on the coding strand, the complement: CAMK2B is on the minus strand). VCF-style: chr7-44226564-G-A. GRCh37 (hg19) VCF-style: chr7-44266163-G-A.
Other names: c.947-5663C>T (NM_172084.3); c.1150+4442C>T (NM_172080.3); c.1036+4442C>T (NM_172083.3); c.1108+4442C>T (NM_172081.3); c.1153+4442C>T (NM_172079.3, NM_172082.3); c.1225+4442C>T (NM_001293170.2, NM_172078.3); short protein forms P517S.
Identifiers: ClinVar variation 3681544 (VCV003681544.2).

ClinVar aggregate classification (germline): Uncertain significance (1 of 4 stars; one submission).

gnomAD v4.1: 1 of 1,469,032 alleles (0.000068%); no homozygotes.

Submission:

Labcorp Genetics (formerly Invitae), Labcorp
Classification: Uncertain significance. Last evaluated: 2024-05-21. Review status: criteria provided, single submitter. Criteria: Invitae Variant Classification Sherloc (09022015). Collection method: clinical testing. Allele origin: germline.
Comment: This sequence change replaces proline, which is neutral and non-polar, with serine, which is neutral and polar, at codon 517 of the CAMK2B protein (p.Pro517Ser). This variant is not present in population databases (gnomAD no frequency). This variant has not been reported in the literature in individuals affected with CAMK2B-related conditions. Algorithms developed to predict the effect of missense changes on protein structure and function output the following: SIFT: "Not Available"; PolyPhen-2: "Benign"; Align-GVGD: "Not Available". The serine amino acid residue is found in multiple mammalian species, which suggests that this missense change does not adversely affect protein function. In summary, the available evidence is currently insufficient to determine the role of this variant in disease. Therefore, it has been classified as a Variant of Uncertain Significance.